The following is an entry in ClinVar:

NM_001042492.3(NF1):c.5967C>A (p.Tyr1989Ter)

Gene: NF1 (neurofibromin 1; plus strand). Cytogenetic location: 17q11.2.
Variant type: single nucleotide variant.
Coding change: c.5967C>A on transcript NM_001042492.3 (MANE Select); coding-DNA position 5967, C replaced by A.
Protein change: p.Tyr1989Ter; replaces tyrosine 1989 with a stop codon.
Molecular consequence: nonsense.
Genome position (GRCh38, 1-based): chr17:31,334,992, C>A. VCF-style: chr17-31334992-C-A. GRCh37 (hg19) VCF-style: chr17-29662010-C-A.
Other names: c.5904C>A, p.Tyr1968Ter (NM_000267.4); short protein forms Y1968*, Y1989*.
Identifiers: ClinVar variation 3878976 (VCV003878976.2).

ClinVar aggregate classification (germline): Pathogenic. Review status: criteria provided, multiple submitters, no conflicts (2 of 4 stars). 2 submissions from 2 submitters: Pathogenic (2). Last evaluated 2025-12-03.

Conditions:
NF1-related disorder. Also called: NF1-related condition. Identifiers: MedGen CN379171.
Cardiovascular phenotype. Identifiers: MedGen CN230736.
Hereditary cancer-predisposing syndrome. Also called: Tumor predisposition; Neoplastic Syndromes, Hereditary; Hereditary Cancer Syndrome; Hereditary neoplastic syndrome. Identifiers: Orphanet 140162, MedGen C0027672, MeSH D009386, MONDO:0015356.

Submissions (2):

PreventionGenetics, part of Exact Sciences
Classification: Pathogenic for NF1-related condition. Last evaluated: 2025-12-03. Review status: criteria provided, single submitter. Criteria: ACMG Guidelines, 2015. Collection method: clinical testing. Allele origin: germline.
Comment: The NF1 c.5904C>A variant is predicted to result in premature protein termination (p.Tyr1968*). This variant was reported in an individual with neurofibromatosis type 1 (NF1) (Hutter et al. 2016. PubMed ID: 26969325). This variant has not been reported in a large population database (gnomAD), indicating this variant is rare. It is classified as pathogenic in ClinVar (Variation ID: 3878976). This variant is expected to result in a loss of NF1 protein and loss-of-function variants in NF1 are expected to be pathogenic (Fahsold. 2000. PubMed ID: 10712197; Sabbagh. 2013. PubMed ID: 23913538). This variant is interpreted as pathogenic.

Ambry Genetics
Classification: Pathogenic for Cardiovascular phenotype; Hereditary cancer-predisposing syndrome. Last evaluated: 2024-12-13. Review status: criteria provided, single submitter. Criteria: Ambry Variant Classification Scheme 2023. Collection method: clinical testing. Allele origin: germline.
Comment: The p.Y1968* pathogenic mutation (also known as c.5904C>A), located in coding exon 39 of the NF1 gene, results from a C to A substitution at nucleotide position 5904. This changes the amino acid from a tyrosine to a stop codon within coding exon 39. This alteration is expected to result in loss of function by premature protein truncation or nonsense-mediated mRNA decay. As such, this alteration is interpreted as a disease-causing mutation.